The following is an entry in ClinVar:

NM_000059.4(BRCA2):c.2705C>G (p.Ala902Gly)

Gene: BRCA2 (BRCA2 DNA repair associated; plus strand). Cytogenetic location: 13q13.1.
Variant type: single nucleotide variant.
Coding change: c.2705C>G on transcript NM_000059.4 (MANE Select); coding-DNA position 2705, C replaced by G.
Protein change: p.Ala902Gly; replaces alanine 902 with glycine.
Molecular consequence: missense variant. On other transcripts: non-coding transcript variant (1), intron variant (2).
Genome position (GRCh38, 1-based): chr13:32,337,060, C>G. VCF-style: chr13-32337060-C-G. GRCh37 (hg19) VCF-style: chr13-32911197-C-G.
Other names: c.2705C>G, p.Ala902Gly (NM_001406719.1, NM_001406720.1); c.1909+3673C>G (NM_001406721.1); c.424+6030C>G (NM_001406722.1); short protein forms A902G.
Identifiers: ClinVar variation 2714062 (VCV002714062.4), dbSNP rs749258007, ClinGen allele CA387773516.

ClinVar aggregate classification (germline): Conflicting classifications of pathogenicity. Review status: criteria provided, conflicting classifications (1 of 4 stars). 2 submissions from 2 submitters: Uncertain significance (1); Likely benign (1). Last evaluated 2025-11-05.

Conditions:
Hereditary cancer-predisposing syndrome. Also called: Neoplastic Syndromes, Hereditary; Tumor predisposition; Hereditary Cancer Syndrome; Hereditary neoplastic syndrome. Identifiers: Orphanet 140162, MedGen C0027672, MeSH D009386, MONDO:0015356.
Hereditary breast ovarian cancer syndrome. Also called: Hereditary breast and ovarian cancer syndrome; Hereditary breast and ovarian cancer syndrome (HBOC); Hereditary breast and/or ovarian cancer syndrome; Hereditary breast and ovarian cancer; Breast and ovarian cancer; BRCA1- and BRCA2-Associated Hereditary Breast and Ovarian Cancer. Identifiers: Orphanet 145, MedGen C0677776, MeSH D061325, MONDO:0003582. Disease mechanism: loss of function.

Submissions (2):

Labcorp Genetics (formerly Invitae), Labcorp
Classification: Uncertain significance for Hereditary breast ovarian cancer syndrome. Last evaluated: 2025-11-05. Review status: criteria provided, single submitter. Criteria: Invitae Variant Classification Sherloc (09022015). Collection method: clinical testing. Allele origin: germline.
Comment: This sequence change replaces alanine, which is neutral and non-polar, with glycine, which is neutral and non-polar, at codon 902 of the BRCA2 protein (p.Ala902Gly). This variant is not present in population databases (gnomAD no frequency). This variant has not been reported in the literature in individuals affected with BRCA2-related conditions. ClinVar contains an entry for this variant (Variation ID: 2714062). Invitae Evidence Modeling of protein sequence and biophysical properties (such as structural, functional, and spatial information, amino acid conservation, physicochemical variation, residue mobility, and thermodynamic stability) indicates that this missense variant is not expected to disrupt BRCA2 protein function with a negative predictive value of 95%. In summary, the available evidence is currently insufficient to determine the role of this variant in disease. Therefore, it has been classified as a Variant of Uncertain Significance.

Ambry Genetics
Classification: Likely benign for Hereditary cancer-predisposing syndrome. Last evaluated: 2024-09-26. Review status: criteria provided, single submitter. Criteria: Ambry Variant Classification Scheme 2023. Collection method: clinical testing. Allele origin: germline.